The following is an entry in ClinVar:

ClinVar aggregate classification (germline): Uncertain significance (1 of 4 stars; one submission).

Allele frequency attached by ClinVar (database versions not stated): gnomAD exomes below 0.00001.
gnomAD v4.1: 2 of 1,523,058 alleles (0.00013%); highest among the groups gnomAD compares: Non-Finnish European, 0.00018%; no homozygotes.

Submission:

Labcorp Genetics (formerly Invitae), Labcorp
Classification: Uncertain significance. Last evaluated: 2022-06-25. Review status: criteria provided, single submitter. Criteria: Invitae Variant Classification Sherloc (09022015). Collection method: clinical testing. Allele origin: germline.
Comment: This sequence change replaces alanine, which is neutral and non-polar, with glutamic acid, which is acidic and polar, at codon 76 of the BLOC1S3 protein (p.Ala76Glu). This variant is not present in population databases (gnomAD no frequency). This variant has not been reported in the literature in individuals affected with BLOC1S3-related conditions. Algorithms developed to predict the effect of missense changes on protein structure and function are either unavailable or do not agree on the potential impact of this missense change (SIFT: "Tolerated"; PolyPhen-2: "Possibly Damaging"; Align-GVGD: "Class C15"). In summary, the available evidence is currently insufficient to determine the role of this variant in disease. Therefore, it has been classified as a Variant of Uncertain Significance.

NM_212550.5(BLOC1S3):c.227C>A (p.Ala76Glu)

Gene: BLOC1S3 (biogenesis of lysosomal organelles complex 1 subunit 3; plus strand). Cytogenetic location: 19q13.32.
Variant type: single nucleotide variant.
Coding change: c.227C>A on transcript NM_212550.5 (MANE Select); coding-DNA position 227, C replaced by A.
Protein change: p.Ala76Glu; replaces alanine 76 with glutamic acid.
Molecular consequence: missense variant.
Genome position (GRCh38, 1-based): chr19:45,179,523, C>A. VCF-style: chr19-45179523-C-A. GRCh37 (hg19) VCF-style: chr19-45682781-C-A.
Other names: short protein forms A76E.
Identifiers: ClinVar variation 2076833 (VCV002076833.1), dbSNP rs1969477265, ClinGen allele CA406344390.